The following is an entry in ClinVar:

ClinVar aggregate classification (germline): Pathogenic (1 of 4 stars; one submission).

Conditions:
Primary ciliary dyskinesia 9. Also called: CILIARY DYSKINESIA, PRIMARY, 9, WITH OR WITHOUT SITUS INVERSUS. Identifiers: Orphanet 244, MedGen C2676235, MONDO:0012906, OMIM 612444.

Submission:

Myriad Genetics, Inc.
Classification: Pathogenic for Primary ciliary dyskinesia 9. Last evaluated: 2024-05-14. Review status: criteria provided, single submitter. Criteria: Myriad Autosomal Dominant, Autosomal Recessive and X-Linked Classification Criteria (2023). Collection method: clinical testing. Allele origin: unknown.
Comment: NM_023036.4(DNAI2):c.994A>T(K332*) is expected to be pathogenic in the context of primary ciliary dyskinesia, DNAI2-related. This variant is predicted to lead to an abnormal or absent protein product due to the creation of a premature termination codon in DNAI2, a gene where loss-of-function variants are known to be pathogenic. Please note: this variant was assessed in the context of healthy population screening.

NM_023036.6(DNAI2):c.994A>T (p.Lys332Ter)

Gene: DNAI2 (dynein axonemal intermediate chain 2; plus strand). Cytogenetic location: 17q25.1.
Variant type: single nucleotide variant.
Coding change: c.994A>T on transcript NM_023036.6 (MANE Select); coding-DNA position 994, A replaced by T.
Protein change: p.Lys332Ter; replaces lysine 332 with a stop codon.
Molecular consequence: nonsense. On other transcripts: non-coding transcript variant (1).
Genome position (GRCh38, 1-based): chr17:74,305,225, A>T. VCF-style: chr17-74305225-A-T. GRCh37 (hg19) VCF-style: chr17-72301364-A-T.
Other names: c.994A>T, p.Lys332Ter (NM_001172810.3, NM_001353167.2); short protein forms K332*.
Identifiers: ClinVar variation 5012522 (VCV005012522.1).
Genomic context (GRCh38, chr17:74,305,225, plus strand): 5'-TCCCAGAATTGATGGTTCGTGGAGTCTTCCCCTCCTGTGTCACTCCTTCCACAGCCCACC[A>T]AGTTCATGGTGGGGACCGAGCAGGGCATCGTCATCTCCTGCAACCGCAAGGCCAAGACGT-3'